The following is an entry in ClinVar:

ClinVar aggregate classification (germline): Uncertain significance. Review status: criteria provided, multiple submitters, no conflicts (2 of 4 stars). 2 submissions from 2 submitters: Uncertain significance (2). Last evaluated 2024-10-21.

Allele frequency attached by ClinVar (database versions not stated): TOPMed 0.00007; gnomAD 0.00010; ExAC 0.00012; gnomAD exomes 0.00015.
gnomAD v4.1: 226 of 1,612,594 alleles (0.014%); highest among the groups gnomAD compares: Non-Finnish European, 0.019%; no homozygotes.

Submissions (2):

Labcorp Genetics (formerly Invitae), Labcorp
Classification: Uncertain significance. Last evaluated: 2024-10-21. Review status: criteria provided, single submitter. Criteria: Invitae Variant Classification Sherloc (09022015). Collection method: clinical testing. Allele origin: germline.
Comment: This sequence change replaces phenylalanine, which is neutral and non-polar, with cysteine, which is neutral and slightly polar, at codon 152 of the RTTN protein (p.Phe152Cys). This variant is present in population databases (rs200733637, gnomAD 0.02%). This variant has not been reported in the literature in individuals affected with RTTN-related conditions. ClinVar contains an entry for this variant (Variation ID: 1706422). An algorithm developed to predict the effect of missense changes on protein structure and function (PolyPhen-2) suggests that this variant is likely to be tolerated. In summary, the available evidence is currently insufficient to determine the role of this variant in disease. Therefore, it has been classified as a Variant of Uncertain Significance.

GeneDx
Classification: Uncertain significance. Last evaluated: 2022-09-12. Review status: criteria provided, single submitter. Criteria: GeneDx Variant Classification Process June 2021. Collection method: clinical testing. Allele origin: germline. Affected: yes.
Comment: In silico analysis supports that this missense variant does not alter protein structure/function; Has not been previously published as pathogenic or benign to our knowledge

NM_173630.4(RTTN):c.455T>G (p.Phe152Cys)

Gene: RTTN (rotatin; minus strand). Cytogenetic location: 18q22.2.
Variant type: single nucleotide variant.
Coding change: c.455T>G on transcript NM_173630.4 (MANE Select); coding-DNA position 455, T replaced by G.
Protein change: p.Phe152Cys; replaces phenylalanine 152 with cysteine.
Molecular consequence: missense variant. On other transcripts: 5 prime UTR variant (1).
Genome position (GRCh38, 1-based): chr18:70,201,926, A>C on the plus strand (T>G on the coding strand, the complement: RTTN is on the minus strand). VCF-style: chr18-70201926-A-C. GRCh37 (hg19) VCF-style: chr18-67869162-A-C.
Other names: c.-2099T>G (NM_001318520.2); short protein forms F152C.
Identifiers: ClinVar variation 1706422 (VCV001706422.5), dbSNP rs200733637, ClinGen allele CA8996481.